The following is an entry in ClinVar:

ClinVar aggregate classification (germline): Pathogenic. Review status: criteria provided, multiple submitters, no conflicts (2 of 4 stars). 4 submissions from 4 submitters: Pathogenic (4). Last evaluated 2023-11-03.

Conditions:
Familial cancer of breast. Also called: BREAST CANCER, FAMILIAL; Hereditary breast cancer; hereditary breast carcinoma. Identifiers: Orphanet 227535, MedGen C0346153, MONDO:0016419, OMIM 114480. Disease mechanism: loss of function.
Hereditary cancer-predisposing syndrome. Also called: Neoplastic Syndromes, Hereditary; Tumor predisposition; Hereditary neoplastic syndrome; Hereditary Cancer Syndrome. Identifiers: Orphanet 140162, MedGen C0027672, MeSH D009386, MONDO:0015356.

Submissions (4):

Labcorp Genetics (formerly Invitae), Labcorp
Classification: Pathogenic for Familial cancer of breast. Last evaluated: 2023-11-03. Review status: criteria provided, single submitter. Criteria: Invitae Variant Classification Sherloc (09022015). Collection method: clinical testing. Allele origin: germline.
Comment: This sequence change creates a premature translational stop signal (p.Ile941Serfs*21) in the PALB2 gene. It is expected to result in an absent or disrupted protein product. Loss-of-function variants in PALB2 are known to be pathogenic (PMID: 17200668, 17200671, 17200672, 24136930, 25099575). This variant is not present in population databases (gnomAD no frequency). This variant has not been reported in the literature in individuals affected with PALB2-related conditions. ClinVar contains an entry for this variant (Variation ID: 2453300). For these reasons, this variant has been classified as Pathogenic.

Myriad Genetics, Inc.
Classification: Pathogenic for Familial cancer of breast. Last evaluated: 2023-09-13. Review status: criteria provided, single submitter. Criteria: Myriad Autosomal Dominant, Autosomal Recessive and X-Linked Classification Criteria (2023). Collection method: clinical testing. Allele origin: unknown.
Comment: This variant is considered pathogenic. This variant creates a frameshift predicted to result in premature protein truncation.

Color Diagnostics, LLC DBA Color Health
Classification: Pathogenic for Hereditary cancer-predisposing syndrome. Last evaluated: 2023-02-14. Review status: criteria provided, single submitter. Criteria: ACMG Guidelines, 2015. Collection method: clinical testing. Allele origin: germline.
Comment: This variant deletes 1 nucleotide in exon 8 of the PALB2 gene, creating a frameshift and premature translation stop signal. This variant is expected to result in an absent or non-functional protein product. To our knowledge, this variant has not been reported in individuals affected with PALB2-related disorders in the literature. This variant has not been identified in the general population by the Genome Aggregation Database (gnomAD). Loss of PALB2 function is a known mechanism of disease. Based on the available evidence, this variant is classified as Pathogenic.

Ambry Genetics
Classification: Pathogenic for Hereditary cancer-predisposing syndrome. Last evaluated: 2023-01-27. Review status: criteria provided, single submitter. Criteria: Ambry Variant Classification Scheme 2023. Collection method: clinical testing. Allele origin: germline.
Comment: The c.2821delA pathogenic mutation, located in coding exon 8 of the PALB2 gene, results from a deletion of one nucleotide at nucleotide position 2821, causing a translational frameshift with a predicted alternate stop codon (p.I941Sfs*21). This variant is considered to be rare based on population cohorts in the Genome Aggregation Database (gnomAD). This alteration is expected to result in loss of function by premature protein truncation or nonsense-mediated mRNA decay. As such, this alteration is interpreted as a disease-causing mutation.

Literature cited by the submitters: PubMed 17200668 (cited by Labcorp Genetics (formerly Invitae), Labcorp); PubMed 17200671 (cited by Labcorp Genetics (formerly Invitae), Labcorp); PubMed 17200672 (cited by Labcorp Genetics (formerly Invitae), Labcorp); PubMed 24136930 (cited by Labcorp Genetics (formerly Invitae), Labcorp); PubMed 25099575 (cited by Labcorp Genetics (formerly Invitae), Labcorp).

NM_024675.4(PALB2):c.2821del (p.Ile941fs)

Gene: PALB2 (partner and localizer of BRCA2; minus strand). Cytogenetic location: 16p12.2.
Variant type: Deletion.
Coding change: c.2821del on transcript NM_024675.4 (MANE Select); coding-DNA position 2821, one base deleted (A; older notation c.2821delA).
Protein change: p.Ile941fs; shifts the reading frame from isoleucine 941.
Molecular consequence: frameshift variant.
Genome position (GRCh38, 1-based): chr16:23,624,022, T deleted on the plus strand (A on the coding strand, the reverse complement: PALB2 is on the minus strand); the first of 3 consecutive T bases (chr16:23,624,022-23,624,024); deleting any one gives the same sequence. VCF-style (leftmost placement, unchanged base first): chr16-23624021-AT-A. GRCh37 (hg19) VCF-style: chr16-23635342-AT-A.
Other names: c.2821delA (NM_024675.3); c.1936del, p.Ile646fs (NM_001407309.1, NM_001407310.1, NM_001407311.1 and 4 more transcripts); c.1033del, p.Ile345fs (NM_001407312.1, NM_001407313.1); c.355del, p.Ile119fs (NM_001407314.1); c.2761del, p.Ile921fs (NM_001407296.1); c.2749del, p.Ile917fs (NM_001407297.1); c.2659del, p.Ile887fs (NM_001407298.1, NM_001407302.1); c.2821del, p.Ile941fs (NM_001407299.1, NM_001407300.1, NM_001407301.1); and 1 more; short protein forms I119fs, I917fs, I941fs, I887fs, I921fs, I345fs, I592fs, I646fs.
Identifiers: ClinVar variation 2453300 (VCV002453300.7), dbSNP rs2506348819, ClinGen allele CA2580091254.